The following is an entry in ClinVar:

NM_001204.7(BMPR2):c.181T>G (p.Ser61Ala)

Gene: BMPR2 (bone morphogenetic protein receptor type 2; plus strand). Cytogenetic location: 2q33.1.
Variant type: single nucleotide variant.
Coding change: c.181T>G on transcript NM_001204.7 (MANE Select); coding-DNA position 181, T replaced by G.
Protein change: p.Ser61Ala; replaces serine 61 with alanine.
Molecular consequence: missense variant.
Genome position (GRCh38, 1-based): chr2:202,464,913, T>G. VCF-style: chr2-202464913-T-G. GRCh37 (hg19) VCF-style: chr2-203329636-T-G.
Other names: short protein forms S61A.
Identifiers: ClinVar variation 3992234 (VCV003992234.1).

ClinVar aggregate classification (germline): Uncertain significance (1 of 4 stars; one submission).

Conditions:
Inborn genetic diseases. Identifiers: MedGen C0950123, MeSH D030342.

Submission:

Ambry Genetics
Classification: Uncertain significance for Inborn genetic diseases. Last evaluated: 2025-06-14. Review status: criteria provided, single submitter. Criteria: Ambry Variant Classification Scheme 2023. Collection method: clinical testing. Allele origin: germline.
Comment: The p.S61A variant (also known as c.181T>G), located in coding exon 2 of the BMPR2 gene, results from a T to G substitution at nucleotide position 181. The serine at codon 61 is replaced by alanine, an amino acid with similar properties. This amino acid position is conserved. In addition, the in silico prediction for this alteration is inconclusive. Based on the available evidence, the clinical significance of this variant remains unclear.